The following is an entry in ClinVar:

ClinVar aggregate classification (germline): Uncertain significance. Review status: criteria provided, multiple submitters, no conflicts (2 of 4 stars). 3 submissions from 3 submitters: Uncertain significance (3). Last evaluated 2025-04-18.

Conditions:
Inborn genetic diseases. Identifiers: MedGen C0950123, MeSH D030342.

Allele frequency attached by ClinVar (database versions not stated): gnomAD 0.00002; gnomAD exomes 0.00002; TOPMed 0.00003; ExAC 0.00004; ESP Exome Variant Server 0.00008.
gnomAD v4.1: 37 of 1,609,846 alleles (0.0023%); highest among the groups gnomAD compares: African/African-American, 0.004%; no homozygotes.

Submissions (3):

Ambry Genetics
Classification: Uncertain significance for Inborn genetic diseases. Last evaluated: 2025-04-18. Review status: criteria provided, single submitter. Criteria: Ambry Variant Classification Scheme 2023. Collection method: clinical testing. Allele origin: germline.

Labcorp Genetics (formerly Invitae), Labcorp
Classification: Uncertain significance. Last evaluated: 2025-03-17. Review status: criteria provided, single submitter. Criteria: Invitae Variant Classification Sherloc (09022015). Collection method: clinical testing. Allele origin: germline.
Comment: This sequence change replaces arginine, which is basic and polar, with glutamine, which is neutral and polar, at codon 81 of the PDE6B protein (p.Arg81Gln). This variant is present in population databases (rs370894310, gnomAD 0.01%). This variant has not been reported in the literature in individuals affected with PDE6B-related conditions. ClinVar contains an entry for this variant (Variation ID: 1397703). Invitae Evidence Modeling of protein sequence and biophysical properties (such as structural, functional, and spatial information, amino acid conservation, physicochemical variation, residue mobility, and thermodynamic stability) indicates that this missense variant is not expected to disrupt PDE6B protein function with a negative predictive value of 95%. In summary, the available evidence is currently insufficient to determine the role of this variant in disease. Therefore, it has been classified as a Variant of Uncertain Significance.

Blueprint Genetics
Classification: Uncertain significance. Last evaluated: 2021-10-06. Review status: criteria provided, single submitter. Criteria: ACMG Guidelines, 2015. Collection method: clinical testing. Allele origin: germline.

NM_000283.4(PDE6B):c.242G>A (p.Arg81Gln)

Gene: PDE6B (phosphodiesterase 6B; plus strand). Cytogenetic location: 4p16.3.
Variant type: single nucleotide variant.
Coding change: c.242G>A on transcript NM_000283.4 (MANE Select); coding-DNA position 242, G replaced by A.
Protein change: p.Arg81Gln; replaces arginine 81 with glutamine.
Molecular consequence: missense variant.
Genome position (GRCh38, 1-based): chr4:625,868, G>A. VCF-style: chr4-625868-G-A. GRCh37 (hg19) VCF-style: chr4-619657-G-A.
Other names: c.242G>A, p.Arg81Gln (NM_001145291.2); c.242G>A (NM_000283.3); short protein forms R81Q.
Identifiers: ClinVar variation 1397703 (VCV001397703.8), dbSNP rs370894310, ClinGen allele CA2793885.